The following is an entry in ClinVar:

ClinVar aggregate classification (germline): Pathogenic. Review status: criteria provided, multiple submitters, no conflicts (2 of 4 stars). 2 submissions from 2 submitters: Pathogenic (2). Last evaluated 2023-07-03.

Conditions:
Long QT syndrome (LQTS). Identifiers: MedGen C0023976, MeSH D008133, MONDO:0002442. Disease mechanism: loss of function. Inheritance: Various modes of inheritance.

Submissions (2):

Labcorp Genetics (formerly Invitae), Labcorp
Classification: Pathogenic for Long QT syndrome. Last evaluated: 2023-07-03. Review status: criteria provided, single submitter. Criteria: Invitae Variant Classification Sherloc (09022015). Collection method: clinical testing. Allele origin: germline.
Comment: This variant is not present in population databases (gnomAD no frequency). For these reasons, this variant has been classified as Pathogenic. ClinVar contains an entry for this variant (Variation ID: 372378). This premature translational stop signal has been observed in individual(s) with Long QT syndrome (PMID: 16414944). This sequence change creates a premature translational stop signal (p.Arg1035Glyfs*22) in the KCNH2 gene. It is expected to result in an absent or disrupted protein product. Loss-of-function variants in KCNH2 are known to be pathogenic (PMID: 10973849, 19862833).

GeneDx
Classification: Pathogenic. Last evaluated: 2020-05-13. Review status: criteria provided, single submitter. Criteria: GeneDx Variant Classification Process June 2021. Collection method: clinical testing. Allele origin: germline. Affected: yes.
Comment: Frameshift variant predicted to result in protein truncation or nonsense mediated decay in a gene for which loss-of-function is a known mechanism of disease; This variant is associated with the following publications: (PMID: 19716085, 23631430, 19862833, 16414944)

Literature cited by the submitters: PubMed 16414944 (cited by Labcorp Genetics (formerly Invitae), Labcorp); PubMed 10973849 (cited by Labcorp Genetics (formerly Invitae), Labcorp); PubMed 19862833 (cited by Labcorp Genetics (formerly Invitae), Labcorp).

NM_000238.4(KCNH2):c.3099del (p.Arg1035fs)

Gene: KCNH2 (potassium voltage-gated channel subfamily H member 2; minus strand). Cytogenetic location: 7q36.1.
Variant type: Deletion.
Coding change: c.3099del on transcript NM_000238.4 (MANE Select); coding-DNA position 3099, one base deleted (G; older notation c.3099delG).
Protein change: p.Arg1035fs; shifts the reading frame from arginine 1035.
Molecular consequence: frameshift variant.
Genome position (GRCh38, 1-based): chr7:150,947,381, C deleted on the plus strand (G on the coding strand, the reverse complement: KCNH2 is on the minus strand); the first of 2 consecutive C bases (chr7:150,947,381-150,947,382); deleting either gives the same sequence. VCF-style (leftmost placement, unchanged base first): chr7-150947380-GC-G. GRCh37 (hg19) VCF-style: chr7-150644468-GC-G.
Other names: c.3099delG (NM_000238.2); c.2079del, p.Arg695fs (NM_172057.3); short protein forms R695fs, R1035fs.
Identifiers: ClinVar variation 372378 (VCV000372378.6), dbSNP rs1057517743, ClinGen allele CA16042677.